The following is an entry in ClinVar:

NM_001844.5(COL2A1):c.1832A>C (p.Asn611Thr)

Gene: COL2A1 (collagen type II alpha 1 chain; minus strand). Cytogenetic location: 12q13.11.
Variant type: single nucleotide variant.
Coding change: c.1832A>C on transcript NM_001844.5 (MANE Select); coding-DNA position 1832, A replaced by C.
Protein change: p.Asn611Thr; replaces asparagine 611 with threonine.
Molecular consequence: missense variant.
Genome position (GRCh38, 1-based): chr12:47,984,996, T>G on the plus strand (A>C on the coding strand, the complement: COL2A1 is on the minus strand). VCF-style: chr12-47984996-T-G. GRCh37 (hg19) VCF-style: chr12-48378779-T-G.
Other names: c.1625A>C, p.Asn542Thr (NM_033150.3); short protein forms N542T, N611T.
Identifiers: ClinVar variation 1469881 (VCV001469881.8), dbSNP rs142492439, ClinGen allele CA236527217.
Genomic context (GRCh38, chr12:47,984,996, plus strand): 5'-AGGGCAGGGAGGTAGGTAGCACCACATGGAAGGAAATAGAAGAGCAAATTATTACTTACG[T>G]TGGCACCTTTGGGGCCAGGGAAACCCATGACACCAGGCTGCCCACGAGCCCCCTGAGGAC-3'
Protein context (NP_001835.3, residues 601-621): VMGFPGPKGA[Asn611Thr]GEPGKAGEKG

ClinVar aggregate classification (germline): Uncertain significance (1 of 4 stars; one submission).

Submission:

Labcorp Genetics (formerly Invitae), Labcorp
Classification: Uncertain significance. Last evaluated: 2021-01-03. Review status: criteria provided, single submitter. Criteria: Invitae Variant Classification Sherloc (09022015). Collection method: clinical testing. Allele origin: germline.
Comment: This sequence change replaces asparagine with threonine at codon 611 of the COL2A1 protein (p.Asn611Thr). The asparagine residue is highly conserved and there is a small physicochemical difference between asparagine and threonine. This variant is not present in population databases (ExAC no frequency). This variant has not been reported in the literature in individuals with COL2A1-related conditions. Algorithms developed to predict the effect of missense changes on protein structure and function are either unavailable or do not agree on the potential impact of this missense change (SIFT: "Deleterious"; PolyPhen-2: "Benign"; Align-GVGD: "Class C55"). In summary, the available evidence is currently insufficient to determine the role of this variant in disease. Therefore, it has been classified as a Variant of Uncertain Significance.